The following is an entry in ClinVar:

ClinVar aggregate classification (germline): Uncertain significance. Review status: criteria provided, multiple submitters, no conflicts (2 of 4 stars). 2 submissions from 2 submitters: Uncertain significance (2). Last evaluated 2023-07-25.

Conditions:
Developmental and epileptic encephalopathy, 12 (DEE12). Identifiers: MedGen C3150988, MONDO:0013389, OMIM 613722.

Allele frequency attached by ClinVar (database versions not stated): gnomAD exomes below 0.00001; TOPMed below 0.00001.
gnomAD v4.1: 3 of 1,611,512 alleles (0.00019%); highest among the groups gnomAD compares: Non-Finnish European, 0.00017%; no homozygotes.

Submissions (2):

GeneDx
Classification: Uncertain significance. Last evaluated: 2023-07-25. Review status: criteria provided, single submitter. Criteria: GeneDx Variant Classification Process June 2021. Collection method: clinical testing. Allele origin: germline. Affected: yes.
Comment: Not observed at significant frequency in large population cohorts (gnomAD); In silico analysis supports that this missense variant does not alter protein structure/function; Has not been previously published as pathogenic or benign to our knowledge; This variant is associated with the following publications: (PMID: 22508754)

Labcorp Genetics (formerly Invitae), Labcorp
Classification: Uncertain significance for Developmental and epileptic encephalopathy, 12. Last evaluated: 2022-08-31. Review status: criteria provided, single submitter. Criteria: Invitae Variant Classification Sherloc (09022015). Collection method: clinical testing. Allele origin: germline.
Comment: In summary, the available evidence is currently insufficient to determine the role of this variant in disease. Therefore, it has been classified as a Variant of Uncertain Significance. Algorithms developed to predict the effect of missense changes on protein structure and function output the following: SIFT: "Tolerated"; PolyPhen-2: "Benign"; Align-GVGD: "Class C0". The isoleucine amino acid residue is found in multiple mammalian species, which suggests that this missense change does not adversely affect protein function. ClinVar contains an entry for this variant (Variation ID: 658889). This variant has not been reported in the literature in individuals affected with PNKP-related conditions. This variant is not present in population databases (gnomAD no frequency). This sequence change replaces threonine, which is neutral and polar, with isoleucine, which is neutral and non-polar, at codon 76 of the PNKP protein (p.Thr76Ile).

NM_007254.4(PNKP):c.227C>T (p.Thr76Ile)

Gene: PNKP (polynucleotide kinase 3'-phosphatase; minus strand). Cytogenetic location: 19q13.33.
Variant type: single nucleotide variant.
Coding change: c.227C>T on transcript NM_007254.4 (MANE Select); coding-DNA position 227, C replaced by T.
Protein change: p.Thr76Ile; replaces threonine 76 with isoleucine.
Molecular consequence: missense variant.
Genome position (GRCh38, 1-based): chr19:49,865,398, G>A on the plus strand (C>T on the coding strand, the complement: PNKP is on the minus strand). VCF-style: chr19-49865398-G-A. GRCh37 (hg19) VCF-style: chr19-50368655-G-A.
Other names: c.227C>T (NM_007254.2); short protein forms T76I.
Identifiers: ClinVar variation 658889 (VCV000658889.10), dbSNP rs1600421787, ClinGen allele CA406891286.